The following is an entry in ClinVar:

NM_001256789.3(CACNA1F):c.727C>T (p.Leu243Phe)

Gene: CACNA1F (calcium voltage-gated channel subunit alpha1 F; minus strand). Cytogenetic location: Xp11.23.
Variant type: single nucleotide variant.
Coding change: c.727C>T on transcript NM_001256789.3 (MANE Select); coding-DNA position 727, C replaced by T.
Protein change: p.Leu243Phe; replaces leucine 243 with phenylalanine.
Molecular consequence: missense variant.
Genome position (GRCh38, 1-based): chrX:49,230,310, G>A on the plus strand (C>T on the coding strand, the complement: CACNA1F is on the minus strand). VCF-style: chrX-49230310-G-A. GRCh37 (hg19) VCF-style: chrX-49086772-G-A.
Other names: c.532C>T, p.Leu178Phe (NM_001256790.3); c.727C>T, p.Leu243Phe (NM_005183.4); short protein forms L178F, L243F.
Identifiers: ClinVar variation 3905890 (VCV003905890.11).

ClinVar aggregate classification (germline): Uncertain significance. Review status: criteria provided, multiple submitters, no conflicts (2 of 4 stars). 2 submissions from 2 submitters: Uncertain significance (2). Last evaluated 2025-09-01.

Submissions (2):

Labcorp Genetics (formerly Invitae), Labcorp
Classification: Uncertain significance. Last evaluated: 2025-09-01. Review status: criteria provided, single submitter. Criteria: Invitae Variant Classification Sherloc (09022015). Collection method: clinical testing. Allele origin: germline.
Comment: This sequence change replaces leucine, which is neutral and non-polar, with phenylalanine, which is neutral and non-polar, at codon 243 of the CACNA1F protein (p.Leu243Phe). This variant is not present in population databases (gnomAD no frequency). This variant has not been reported in the literature in individuals affected with CACNA1F-related conditions. ClinVar contains an entry for this variant (Variation ID: 3905890). Invitae Evidence Modeling of protein sequence and biophysical properties (such as structural, functional, and spatial information, amino acid conservation, physicochemical variation, residue mobility, and thermodynamic stability) indicates that this missense variant is expected to disrupt CACNA1F protein function with a positive predictive value of 80%. In summary, the available evidence is currently insufficient to determine the role of this variant in disease. Therefore, it has been classified as a Variant of Uncertain Significance.

CeGaT Center for Human Genetics Tuebingen
Classification: Uncertain significance. Last evaluated: 2025-05-01. Review status: criteria provided, single submitter. Criteria: CeGaT Center For Human Genetics Tuebingen Variant Classification Criteria Version 2. Collection method: clinical testing. Allele origin: germline. Affected: yes. Observed: 1 variant allele.
Comment: CACNA1F: PM2, PP3